The following is an entry in ClinVar:

ClinVar aggregate classification (germline): Uncertain significance (1 of 4 stars; one submission).

Conditions:
Cardiovascular phenotype. Identifiers: MedGen CN230736.

Allele frequency attached by ClinVar (database versions not stated): gnomAD exomes below 0.00001.
gnomAD v4.1: 3 of 1,549,656 alleles (0.00019%); highest among the groups gnomAD compares: Middle Eastern, 0.033%; no homozygotes.

Submission:

Ambry Genetics
Classification: Uncertain significance for Cardiovascular phenotype. Last evaluated: 2025-04-24. Review status: criteria provided, single submitter. Criteria: Ambry Variant Classification Scheme 2023. Collection method: clinical testing. Allele origin: germline.
Comment: The p.F191S variant (also known as c.572T>C), located in coding exon 1 of the ZNF469 gene, results from a T to C substitution at nucleotide position 572. The phenylalanine at codon 191 is replaced by serine, an amino acid with highly dissimilar properties. This amino acid position is conserved. In addition, this alteration is predicted to be tolerated by in silico analysis. Since supporting evidence is limited at this time, the clinical significance of this alteration remains unclear.

NM_001367624.2(ZNF469):c.572T>C (p.Phe191Ser)

Gene: ZNF469 (zinc finger protein 469; plus strand). Cytogenetic location: 16q24.2.
Variant type: single nucleotide variant.
Coding change: c.572T>C on transcript NM_001367624.2 (MANE Select); coding-DNA position 572, T replaced by C.
Protein change: p.Phe191Ser; replaces phenylalanine 191 with serine.
Molecular consequence: missense variant.
Genome position (GRCh38, 1-based): chr16:88,428,042, T>C. VCF-style: chr16-88428042-T-C. GRCh37 (hg19) VCF-style: chr16-88494450-T-C.
Other names: NM_001127464.1:c.572T>C; short protein forms F191S.
Identifiers: ClinVar variation 2449460 (VCV002449460.3), dbSNP rs2507571606, ClinGen allele CA397060828.